The following is an entry in ClinVar:

ClinVar aggregate classification (germline): Uncertain significance (1 of 4 stars; one submission).

Submission:

Labcorp Genetics (formerly Invitae), Labcorp
Classification: Uncertain significance. Last evaluated: 2022-08-16. Review status: criteria provided, single submitter. Criteria: Invitae Variant Classification Sherloc (09022015). Collection method: clinical testing. Allele origin: germline.
Comment: In summary, the available evidence is currently insufficient to determine the role of this variant in disease. Therefore, it has been classified as a Variant of Uncertain Significance. Algorithms developed to predict the effect of sequence changes on RNA splicing suggest that this variant may disrupt the consensus splice site. Algorithms developed to predict the effect of missense changes on protein structure and function are either unavailable or do not agree on the potential impact of this missense change (SIFT: "Deleterious"; PolyPhen-2: "Benign"; Align-GVGD: "Class C25"). ClinVar contains an entry for this variant (Variation ID: 1415029). This variant has not been reported in the literature in individuals affected with KIF11-related conditions. This variant is not present in population databases (gnomAD no frequency). This sequence change replaces isoleucine, which is neutral and non-polar, with valine, which is neutral and non-polar, at codon 243 of the KIF11 protein (p.Ile243Val).

NM_004523.4(KIF11):c.727A>G (p.Ile243Val)

Gene: KIF11 (kinesin family member 11; plus strand). Cytogenetic location: 10q23.33.
Variant type: single nucleotide variant.
Coding change: c.727A>G on transcript NM_004523.4 (MANE Select); coding-DNA position 727, A replaced by G.
Protein change: p.Ile243Val; replaces isoleucine 243 with valine.
Molecular consequence: missense variant.
Genome position (GRCh38, 1-based): chr10:92,613,068, A>G. VCF-style: chr10-92613068-A-G. GRCh37 (hg19) VCF-style: chr10-94372825-A-G.
Other names: short protein forms I243V.
Identifiers: ClinVar variation 1415029 (VCV001415029.8), dbSNP rs2135904878, ClinGen allele CA377590018.